The following is an entry in ClinVar:

NM_000038.6(APC):c.646-4395C>A

Gene: APC (APC regulator of WNT signaling pathway; plus strand). Cytogenetic location: 5q22.2.
Variant type: single nucleotide variant.
Coding change: c.646-4395C>A on transcript NM_000038.6 (MANE Select); 4395 bases into the intron before coding-DNA position 646, C replaced by A.
Molecular consequence: intron variant.
Genome position (GRCh38, 1-based): chr5:112,788,051, C>A. VCF-style: chr5-112788051-C-A. GRCh37 (hg19) VCF-style: chr5-112123748-C-A.
Other names: c.646-4395C>A (NM_001354895.2, NM_001127510.3, NM_001354896.2 and 1 more transcripts); c.676-4395C>A (NM_001354897.2, NM_001354902.2); c.675+7148C>A (NM_001127511.3); c.571-4395C>A (NM_001354898.2, NM_001354904.2); c.-390-4395C>A (NM_001354906.2); c.645+7148C>A (NM_001354899.2); c.469-4395C>A (NM_001354900.2, NM_001354901.2, NM_001354905.2).
Identifiers: ClinVar variation 82975 (VCV000082975.2), dbSNP rs80223805, ClinGen allele CA011962.
Genomic context (GRCh38, chr5:112,788,051, plus strand): 5'-TAGTCATACATACATATATTTATGTTGTTAACTGAATTTCTCATTATCATGTATTGGATA[C>A]CGCACTAGTTCCTCATCGATGAGTAATGTCATCTCTTATCACATAACAAGTTTATATATG-3'

ClinVar aggregate classification (germline): other (0 of 4 stars; one submission).

Conditions:
Familial colorectal cancer. Identifiers: MedGen CN280943, MONDO:0023113. Disease mechanism: loss of function.

Submission:

Systems Biology Platform Zhejiang California International NanoSystems Institute
Classification: other for Familial colorectal cancer. Review status: no assertion criteria provided. Collection method: not provided. Allele origin: unknown.
ClinVar note: Converted during submission from cancer to other.